The following is an entry in ClinVar:

NM_004369.4(COL6A3):c.8828A>G (p.Lys2943Arg)

Gene: COL6A3 (collagen type VI alpha 3 chain; minus strand). Cytogenetic location: 2q37.3.
Variant type: single nucleotide variant.
Coding change: c.8828A>G on transcript NM_004369.4 (MANE Select); coding-DNA position 8828, A replaced by G.
Protein change: p.Lys2943Arg; replaces lysine 2943 with arginine.
Molecular consequence: missense variant.
Genome position (GRCh38, 1-based): chr2:237,336,272, T>C on the plus strand (A>G on the coding strand, the complement: COL6A3 is on the minus strand). VCF-style: chr2-237336272-T-C. GRCh37 (hg19) VCF-style: chr2-238244915-T-C.
Other names: c.7007A>G, p.Lys2336Arg (NM_057166.5); c.8210A>G, p.Lys2737Arg (NM_057167.4); short protein forms K2737R, K2336R, K2943R.
Identifiers: ClinVar variation 971059 (VCV000971059.10), dbSNP rs1700539745, ClinGen allele CA351191346.
Genomic context (GRCh38, chr2:237,336,272, plus strand): 5'-ACTGGTTTTGCAGCAGCAGCAGCGGGGGGTCTTACAGCTGCTGGCTTTGCTGCTACAGGC[T>C]TCGCTGCCGTTGCTGGCTTCACCGCCACTGGGGGTCTAACAGTGGCCATCTTTGTGGCCA-3'
Protein context (NP_004360.2, residues 2933-2953): PVAVKPATAA[Lys2943Arg]PVAAKPAAVR

ClinVar aggregate classification (germline): Uncertain significance (1 of 4 stars; one submission).

Conditions:
Bethlem myopathy 1A. Also called: Bethlem Muscular Dystrophy; Bethlem myopathy 1; MYOPATHY, BENIGN CONGENITAL, WITH CONTRACTURES. Identifiers: Orphanet 610, MedGen CN029274, MONDO:0024530, OMIM 158810.

Submission:

Labcorp Genetics (formerly Invitae), Labcorp
Classification: Uncertain significance for Bethlem myopathy 1A. Last evaluated: 2019-10-02. Review status: criteria provided, single submitter. Criteria: Invitae Variant Classification Sherloc (09022015). Collection method: clinical testing. Allele origin: germline.
Comment: In summary, the available evidence is currently insufficient to determine the role of this variant in disease. Therefore, it has been classified as a Variant of Uncertain Significance. Algorithms developed to predict the effect of missense changes on protein structure and function output the following: SIFT: "Tolerated"; PolyPhen-2: "Not Available"; Align-GVGD: "Class C0". The arginine amino acid residue is found in multiple mammalian species, suggesting that this missense change does not adversely affect protein function. These predictions have not been confirmed by published functional studies and their clinical significance is uncertain. This variant has not been reported in the literature in individuals with COL6A3-related conditions. This variant is not present in population databases (ExAC no frequency). This sequence change replaces lysine with arginine at codon 2943 of the COL6A3 protein (p.Lys2943Arg). The lysine residue is weakly conserved and there is a small physicochemical difference between lysine and arginine.